The following is an entry in ClinVar:

NM_007214.5(SEC63):c.*3431A>C

Gene: SEC63 (SEC63 homolog, protein translocation regulator; minus strand). Cytogenetic location: 6q21.
Variant type: single nucleotide variant.
Coding change: c.*3431A>C on transcript NM_007214.5 (MANE Select); 3431 bases downstream of the stop codon, A replaced by C.
Molecular consequence: 3 prime UTR variant.
Genome position (GRCh38, 1-based): chr6:107,868,273, T>G on the plus strand (A>C on the coding strand, the complement: SEC63 is on the minus strand). VCF-style: chr6-107868273-T-G. GRCh37 (hg19) VCF-style: chr6-108189477-T-G.
Identifiers: ClinVar variation 354825 (VCV000354825.5), dbSNP rs592989, ClinGen allele CA10621138.

ClinVar aggregate classification (germline): Benign (1 of 4 stars; one submission).

Conditions:
Polycystic liver disease 2 (PCLD2). Also called: Polycystic liver disease 2 with or without kidney cysts. Identifiers: Orphanet 2924, MedGen C4310769, MONDO:0014860, OMIM 617004.

Allele frequency attached by ClinVar (database versions not stated): 1000 Genomes Project 0.92871; 1000 Genomes Project 30x 0.93254; TOPMed 0.96301; gnomAD 0.95947.

Submission:

Illumina Laboratory Services, Illumina
Classification: Benign for Polycystic liver disease 2. Last evaluated: 2018-01-13. Review status: criteria provided, single submitter. Criteria: ICSL Variant Classification Criteria 13 December 2019. Collection method: clinical testing. Allele origin: germline.
Comment: This variant was observed in the ICSL laboratory as part of a predisposition screen in an ostensibly healthy population. It had not been previously curated by ICSL or reported in the Human Gene Mutation Database (HGMD: prior to June 1st, 2018), and was therefore a candidate for classification through an automated scoring system. Utilizing variant allele frequency, disease prevalence and penetrance estimates, and inheritance mode, an automated score was calculated to assess if this variant is too frequent to cause the disease. Based on the score and internal cut-off values, a variant classified as benign is not then subjected to further curation. The score for this variant resulted in a classification of benign for this disease.